The following is an entry in ClinVar:

ClinVar aggregate classification (germline): Uncertain significance (1 of 4 stars; one submission).

Submission:

Labcorp Genetics (formerly Invitae), Labcorp
Classification: Uncertain significance. Last evaluated: 2020-11-24. Review status: criteria provided, single submitter. Criteria: Invitae Variant Classification Sherloc (09022015). Collection method: clinical testing. Allele origin: germline.
Comment: In summary, the available evidence is currently insufficient to determine the role of this variant in disease. Therefore, it has been classified as a Variant of Uncertain Significance. Experimental studies and prediction algorithms are not available or were not evaluated, and the functional significance of this variant is currently unknown. This variant has not been reported in the literature in individuals with HTT-related conditions. This variant is not present in population databases (ExAC no frequency). This sequence change replaces alanine with serine at codon 607 of the HTT protein (p.Ala607Ser). The alanine residue is weakly conserved and there is a moderate physicochemical difference between alanine and serine.

NM_001388492.1(HTT):c.1813G>T (p.Ala605Ser)

Gene: HTT (huntingtin; plus strand). Cytogenetic location: 4p16.3.
Variant type: single nucleotide variant.
Coding change: c.1813G>T on transcript NM_001388492.1 (MANE Select); coding-DNA position 1813, G replaced by T.
Protein change: p.Ala605Ser; replaces alanine 605 with serine.
Molecular consequence: missense variant.
Genome position (GRCh38, 1-based): chr4:3,129,993, G>T. VCF-style: chr4-3129993-G-T. GRCh37 (hg19) VCF-style: chr4-3131720-G-T.
Other names: c.1819G>T, p.Ala607Ser (NM_002111.8); short protein forms A607S, A605S.
Identifiers: ClinVar variation 1502934 (VCV001502934.6), dbSNP rs954048883, ClinGen allele CA91434626.